The following is an entry in ClinVar:

NM_003060.4(SLC22A5):c.1228G>A (p.Gly410Ser)

Gene: SLC22A5 (solute carrier family 22 member 5; plus strand). Cytogenetic location: 5q31.1.
Variant type: single nucleotide variant.
Coding change: c.1228G>A on transcript NM_003060.4 (MANE Select); coding-DNA position 1228, G replaced by A.
Protein change: p.Gly410Ser; replaces glycine 410 with serine.
Molecular consequence: missense variant.
Genome position (GRCh38, 1-based): chr5:132,390,865, G>A. VCF-style: chr5-132390865-G-A. GRCh37 (hg19) VCF-style: chr5-131726557-G-A.
Other names: c.1300G>A, p.Gly434Ser (NM_001308122.2); c.1228G>A (NM_003060.3); short protein forms G434S, G410S.
Identifiers: ClinVar variation 1362063 (VCV001362063.6), dbSNP rs1331373451, ClinGen allele CA360807786.

ClinVar aggregate classification (germline): Uncertain significance. Review status: criteria provided, multiple submitters, no conflicts (2 of 4 stars). 2 submissions from 2 submitters: Uncertain significance (2). Last evaluated 2025-02-07.

Conditions:
Renal carnitine transport defect (CDSP). Also called: Carnitine Deficiency, Systemic; Systemic primary carnitine deficiency disease; CARNITINE DEFICIENCY, SYSTEMIC, DUE TO DEFECT IN RENAL REABSORPTION OF CARNITINE; CARNITINE TRANSPORTER, PLASMA-MEMBRANE, DEFICIENCY OF; CARNITINE UPTAKE DEFECT; Primary carnitine deficiency. Identifiers: Orphanet 158, MedGen C0342788, MONDO:0008919, OMIM 212140.
Inborn genetic diseases. Identifiers: MedGen C0950123, MeSH D030342.

Allele frequency attached by ClinVar (database versions not stated): gnomAD exomes below 0.00001; TOPMed below 0.00001; gnomAD 0.00001.
gnomAD v4.1: 2 of 1,614,054 alleles (0.00012%); highest among the groups gnomAD compares: Non-Finnish European, 0.00017%; no homozygotes.

Submissions (2):

Ambry Genetics
Classification: Uncertain significance for Inborn genetic diseases. Last evaluated: 2025-02-07. Review status: criteria provided, single submitter. Criteria: Ambry Variant Classification Scheme 2023. Collection method: clinical testing. Allele origin: germline.

Labcorp Genetics (formerly Invitae), Labcorp
Classification: Uncertain significance for Renal carnitine transport defect. Last evaluated: 2022-07-06. Review status: criteria provided, single submitter. Criteria: Invitae Variant Classification Sherloc (09022015). Collection method: clinical testing. Allele origin: germline.
Comment: This sequence change replaces glycine, which is neutral and non-polar, with serine, which is neutral and polar, at codon 410 of the SLC22A5 protein (p.Gly410Ser). This variant is not present in population databases (gnomAD no frequency). This variant has not been reported in the literature in individuals affected with SLC22A5-related conditions. ClinVar contains an entry for this variant (Variation ID: 1362063). Advanced modeling of protein sequence and biophysical properties (such as structural, functional, and spatial information, amino acid conservation, physicochemical variation, residue mobility, and thermodynamic stability) performed at Invitae indicates that this missense variant is expected to disrupt SLC22A5 protein function. In summary, the available evidence is currently insufficient to determine the role of this variant in disease. Therefore, it has been classified as a Variant of Uncertain Significance.